The following is an entry in ClinVar:

ClinVar aggregate classification (germline): Uncertain significance (1 of 4 stars; one submission).

Conditions:
Inborn genetic diseases. Identifiers: MedGen C0950123, MeSH D030342.

Submission:

Ambry Genetics
Classification: Uncertain significance for Inborn genetic diseases. Last evaluated: 2024-09-20. Review status: criteria provided, single submitter. Criteria: Ambry Variant Classification Scheme 2023. Collection method: clinical testing. Allele origin: germline.
Comment: The p.F539L variant (also known as c.1615T>C), located in coding exon 17 of the ERCC2 gene, results from a T to C substitution at nucleotide position 1615. The phenylalanine at codon 539 is replaced by leucine, an amino acid with highly similar properties. This amino acid position is conserved. In addition, this alteration is predicted to be deleterious by in silico analysis. Based on the available evidence, the clinical significance of this variant remains unclear.

NM_000400.4(ERCC2):c.1615T>C (p.Phe539Leu)

Gene: ERCC2 (ERCC excision repair 2, TFIIH core complex helicase subunit; minus strand). Cytogenetic location: 19q13.32.
Variant type: single nucleotide variant.
Coding change: c.1615T>C on transcript NM_000400.4 (MANE Select); coding-DNA position 1615, T replaced by C.
Protein change: p.Phe539Leu; replaces phenylalanine 539 with leucine.
Molecular consequence: missense variant.
Genome position (GRCh38, 1-based): chr19:45,354,780, A>G on the plus strand (T>C on the coding strand, the complement: ERCC2 is on the minus strand). VCF-style: chr19-45354780-A-G. GRCh37 (hg19) VCF-style: chr19-45858038-A-G.
Other names: short protein forms F539L.
Identifiers: ClinVar variation 3509807 (VCV003509807.1).